The following is an entry in ClinVar:

ClinVar aggregate classification (germline): Uncertain significance (1 of 4 stars; one submission).

gnomAD v4.1: 3 of 1,613,032 alleles (0.00019%); highest among the groups gnomAD compares: African/African-American, 0.0027%; no homozygotes.

Submission:

Labcorp Genetics (formerly Invitae), Labcorp
Classification: Uncertain significance. Last evaluated: 2025-05-05. Review status: criteria provided, single submitter. Criteria: Invitae Variant Classification Sherloc (09022015). Collection method: clinical testing. Allele origin: germline.
Comment: This sequence change replaces glycine, which is neutral and non-polar, with arginine, which is basic and polar, at codon 27 of the SLC25A3 protein (p.Gly27Arg). This variant is not present in population databases (gnomAD no frequency). This variant has not been reported in the literature in individuals affected with SLC25A3-related conditions. ClinVar contains an entry for this variant (Variation ID: 3671841). An algorithm developed to predict the effect of missense changes on protein structure and function (PolyPhen-2) suggests that this variant is likely to be tolerated. In summary, the available evidence is currently insufficient to determine the role of this variant in disease. Therefore, it has been classified as a Variant of Uncertain Significance.

NM_002635.4(SLC25A3):c.79G>C (p.Gly27Arg)

Gene: SLC25A3 (solute carrier family 25 member 3; plus strand). Cytogenetic location: 12q23.1.
Variant type: single nucleotide variant.
Coding change: c.79G>C on transcript NM_002635.4 (MANE Select); coding-DNA position 79, G replaced by C.
Protein change: p.Gly27Arg; replaces glycine 27 with arginine.
Molecular consequence: missense variant.
Genome position (GRCh38, 1-based): chr12:98,594,057, G>C. VCF-style: chr12-98594057-G-C. GRCh37 (hg19) VCF-style: chr12-98987835-G-C.
Other names: c.79G>C, p.Gly27Arg (NM_005888.4, NM_213611.3); short protein forms G27R.
Identifiers: ClinVar variation 3671841 (VCV003671841.2).